The following is an entry in ClinVar:

ClinVar aggregate classification (germline): Uncertain significance (1 of 4 stars; one submission).

Conditions:
Cardiomyopathy (CMYO). Also called: Cardiomyopathies. Identifiers: Orphanet 167848, MedGen C0878544, MONDO:0004994, HP:0001638. Inheritance: Various modes of inheritance.

Submission:

Color Diagnostics, LLC DBA Color Health
Classification: Uncertain significance for Cardiomyopathy. Last evaluated: 2023-12-05. Review status: criteria provided, single submitter. Criteria: ACMG Guidelines, 2015. Collection method: clinical testing. Allele origin: germline.
Comment: This missense variant replaces methionine with valine at codon 658 of the DSC2 protein. Computational prediction tools and conservation analyses are inconclusive regarding the impact of this variant on the protein function. Computational splicing tools suggest that this variant may not impact RNA splicing. To our knowledge, functional assays have not been performed for this variant nor has this variant been reported in individuals affected with cardiovascular disorders in the literature. This variant has not been identified in the general population by the Genome Aggregation Database (gnomAD). Available evidence is insufficient to determine the role of this variant in disease conclusively. Therefore, this variant is classified as a Variant of Uncertain Significance.

NM_024422.6(DSC2):c.1972A>G (p.Met658Val)

Gene: DSC2 (desmocollin 2; minus strand). Cytogenetic location: 18q12.1.
Variant type: single nucleotide variant.
Coding change: c.1972A>G on transcript NM_024422.6 (MANE Select); coding-DNA position 1972, A replaced by G.
Protein change: p.Met658Val; replaces methionine 658 with valine.
Molecular consequence: missense variant.
Genome position (GRCh38, 1-based): chr18:31,071,758, T>C on the plus strand (A>G on the coding strand, the complement: DSC2 is on the minus strand). VCF-style: chr18-31071758-T-C. GRCh37 (hg19) VCF-style: chr18-28651724-T-C.
Other names: c.1972A>G, p.Met658Val (NM_004949.5); short protein forms M658V.
Identifiers: ClinVar variation 927058 (VCV000927058.5), dbSNP rs1986842279, ClinGen allele CA402113248.